The following is an entry in ClinVar:

ClinVar aggregate classification (germline): Uncertain significance (1 of 4 stars; one submission).

Conditions:
Primary ciliary dyskinesia. Also called: Ciliary dyskinesia. Identifiers: Orphanet 244, MedGen C0008780, MONDO:0016575, HP:0012265.

Allele frequency attached by ClinVar (database versions not stated): gnomAD exomes below 0.00001; ExAC 0.00001.
gnomAD v4.1: 6 of 1,614,058 alleles (0.00037%); highest among the groups gnomAD compares: East Asian, 0.0045%; no homozygotes.

Submission:

Labcorp Genetics (formerly Invitae), Labcorp
Classification: Uncertain significance for Primary ciliary dyskinesia. Last evaluated: 2021-08-28. Review status: criteria provided, single submitter. Criteria: Invitae Variant Classification Sherloc (09022015). Collection method: clinical testing. Allele origin: germline.
Comment: This sequence change replaces asparagine with serine at codon 2665 of the DNAH5 protein (p.Asn2665Ser). The asparagine residue is highly conserved and there is a small physicochemical difference between asparagine and serine. This variant is present in population databases (rs774224537, ExAC 0.002%). This variant has not been reported in the literature in individuals affected with DNAH5-related conditions. Algorithms developed to predict the effect of missense changes on protein structure and function (SIFT, PolyPhen-2, Align-GVGD) all suggest that this variant is likely to be disruptive. Algorithms developed to predict the effect of sequence changes on RNA splicing suggest that this variant may create or strengthen a splice site. In summary, the available evidence is currently insufficient to determine the role of this variant in disease. Therefore, it has been classified as a Variant of Uncertain Significance.

NM_001369.3(DNAH5):c.7994A>G (p.Asn2665Ser)

Gene: DNAH5 (dynein axonemal heavy chain 5; minus strand). Cytogenetic location: 5p15.2.
Variant type: single nucleotide variant.
Coding change: c.7994A>G on transcript NM_001369.3 (MANE Select); coding-DNA position 7994, A replaced by G.
Protein change: p.Asn2665Ser; replaces asparagine 2665 with serine.
Molecular consequence: missense variant.
Genome position (GRCh38, 1-based): chr5:13,793,952, T>C on the plus strand (A>G on the coding strand, the complement: DNAH5 is on the minus strand). VCF-style: chr5-13793952-T-C. GRCh37 (hg19) VCF-style: chr5-13794061-T-C.
Other names: short protein forms N2665S.
Identifiers: ClinVar variation 575437 (VCV000575437.3), dbSNP rs774224537, ClinGen allele CA3202940.